The following is an entry in ClinVar:

ClinVar aggregate classification (germline): Likely pathogenic (1 of 4 stars; one submission).

gnomAD v4.1: 2 of 1,614,020 alleles (0.00012%); highest among the groups gnomAD compares: African/African-American, 0.0013%; no homozygotes.

Submission:

GeneDx
Classification: Likely pathogenic. Last evaluated: 2024-05-23. Review status: criteria provided, single submitter. Criteria: GeneDx Variant Classification Process June 2021. Collection method: clinical testing. Allele origin: germline. Affected: yes.
Comment: Nonsense variant predicted to result in protein truncation or nonsense mediated decay in a gene for which loss of function is a known mechanism of disease; Not observed at significant frequency in large population cohorts (gnomAD); Has not been previously published as pathogenic or benign to our knowledge

NM_001244710.2(GFPT1):c.1987C>T (p.Gln663Ter)

Gene: GFPT1 (glutamine--fructose-6-phosphate transaminase 1; minus strand). Cytogenetic location: 2p13.3.
Variant type: single nucleotide variant.
Coding change: c.1987C>T on transcript NM_001244710.2 (MANE Select); coding-DNA position 1987, C replaced by T.
Protein change: p.Gln663Ter; replaces glutamine 663 with a stop codon.
Molecular consequence: nonsense.
Genome position (GRCh38, 1-based): chr2:69,326,982, G>A on the plus strand (C>T on the coding strand, the complement: GFPT1 is on the minus strand). VCF-style: chr2-69326982-G-A. GRCh37 (hg19) VCF-style: chr2-69554114-G-A.
Other names: c.1933C>T, p.Gln645Ter (NM_002056.4); short protein forms Q645*, Q663*.
Identifiers: ClinVar variation 3381387 (VCV003381387.1).
Genomic context (GRCh38, chr2:69,326,982, plus strand): 5'-CTCTCAGCACAGCAAGGTGGAAAGCCAGCAACTGTAAAGGGATCACGCTGAGAATGCCCT[G>A]CAAGCAGTCCACTGAGTGGGGCACCTTGATCGTTCTTTTTGTGTTCTTAATGGTCTCAGT-3'